The following is an entry in ClinVar:

ClinVar aggregate classification (germline): Uncertain significance (1 of 4 stars; one submission).

Allele frequency attached by ClinVar (database versions not stated): TOPMed below 0.00001; gnomAD 0.00001.
gnomAD v4.1: 1 of 1,613,654 alleles (0.000062%); highest among the groups gnomAD compares: Admixed American, 0.0017%; no homozygotes.

Submission:

Labcorp Genetics (formerly Invitae), Labcorp
Classification: Uncertain significance. Last evaluated: 2022-09-06. Review status: criteria provided, single submitter. Criteria: Invitae Variant Classification Sherloc (09022015). Collection method: clinical testing. Allele origin: germline.
Comment: This sequence change replaces leucine, which is neutral and non-polar, with arginine, which is basic and polar, at codon 558 of the HPS3 protein (p.Leu558Arg). This variant is not present in population databases (gnomAD no frequency). This variant has not been reported in the literature in individuals affected with HPS3-related conditions. ClinVar contains an entry for this variant (Variation ID: 1489544). Algorithms developed to predict the effect of missense changes on protein structure and function are either unavailable or do not agree on the potential impact of this missense change (SIFT: "Deleterious"; PolyPhen-2: "Probably Damaging"; Align-GVGD: "Class C0"). In summary, the available evidence is currently insufficient to determine the role of this variant in disease. Therefore, it has been classified as a Variant of Uncertain Significance.

NM_032383.5(HPS3):c.1673T>G (p.Leu558Arg)

Gene: HPS3 (HPS3 biogenesis of lysosomal organelles complex 2 subunit 1; plus strand). Cytogenetic location: 3q24.
Variant type: single nucleotide variant.
Coding change: c.1673T>G on transcript NM_032383.5 (MANE Select); coding-DNA position 1673, T replaced by G.
Protein change: p.Leu558Arg; replaces leucine 558 with arginine.
Molecular consequence: missense variant.
Genome position (GRCh38, 1-based): chr3:149,157,513, T>G. VCF-style: chr3-149157513-T-G. GRCh37 (hg19) VCF-style: chr3-148875300-T-G.
Other names: c.1178T>G, p.Leu393Arg (NM_001308258.2); short protein forms L393R, L558R.
Identifiers: ClinVar variation 1489544 (VCV001489544.5), dbSNP rs1352957239, ClinGen allele CA354922141.